The following is an entry in ClinVar:

NM_014112.5(TRPS1):c.940T>A (p.Leu314Ile)

Gene: TRPS1 (transcriptional repressor GATA binding 1; minus strand). Cytogenetic location: 8q23.3.
Variant type: single nucleotide variant.
Coding change: c.940T>A on transcript NM_014112.5 (MANE Select); coding-DNA position 940, T replaced by A.
Protein change: p.Leu314Ile; replaces leucine 314 with isoleucine.
Molecular consequence: missense variant.
Genome position (GRCh38, 1-based): chr8:115,619,158, A>T on the plus strand (T>A on the coding strand, the complement: TRPS1 is on the minus strand). VCF-style: chr8-115619158-A-T. GRCh37 (hg19) VCF-style: chr8-116631385-A-T.
Other names: c.913T>A, p.Leu305Ile (NM_001282902.3); c.919T>A, p.Leu307Ile (NM_001282903.3); c.901T>A, p.Leu301Ile (NM_001330599.2); short protein forms L301I, L305I, L314I, L307I.
Identifiers: ClinVar variation 2953259 (VCV002953259.3), dbSNP rs2536913553, ClinGen allele CA372068526.
Genomic context (GRCh38, chr8:115,619,158, plus strand): 5'-TTTTCTGTACAAAGAGACAATACAAAGTACAAACCTGCACATCATAGGTCCCATTTAGTA[A>T]AACAGGCCTTGAAGAATTGATGTCCTGCAGCACACCAGAAAACACAGAACGGTTGACCTT-3'
Protein context (NP_054831.2, residues 304-324): LQDINSSRPV[Leu314Ile]LNGTYDVQVT

ClinVar aggregate classification (germline): Uncertain significance (1 of 4 stars; one submission).

Conditions:
Trichorhinophalangeal syndrome, type III (TRPS3). Also called: SUGIO-KAJII SYNDROME. Identifiers: Orphanet 77258, MedGen C1860823, OMIM 190351, MONDO:0008597.
Trichorhinophalangeal dysplasia type I (TRPS1). Also called: TRICHORHINOPHALANGEAL SYNDROME, TYPE I; TRPS I. Identifiers: Orphanet 77258, MedGen C0432233, MONDO:0008596, OMIM 190350.

Submission:

Labcorp Genetics (formerly Invitae), Labcorp
Classification: Uncertain significance for Trichorhinophalangeal syndrome, type III; Trichorhinophalangeal dysplasia type I. Last evaluated: 2023-10-24. Review status: criteria provided, single submitter. Criteria: Invitae Variant Classification Sherloc (09022015). Collection method: clinical testing. Allele origin: germline.
Comment: This sequence change replaces leucine, which is neutral and non-polar, with isoleucine, which is neutral and non-polar, at codon 314 of the TRPS1 protein (p.Leu314Ile). This variant is not present in population databases (gnomAD no frequency). This variant has not been reported in the literature in individuals affected with TRPS1-related conditions. Advanced modeling of protein sequence and biophysical properties (such as structural, functional, and spatial information, amino acid conservation, physicochemical variation, residue mobility, and thermodynamic stability) performed at Invitae indicates that this missense variant is not expected to disrupt TRPS1 protein function with a negative predictive value of 80%. In summary, the available evidence is currently insufficient to determine the role of this variant in disease. Therefore, it has been classified as a Variant of Uncertain Significance.